The following is an entry in ClinVar:

NM_144997.7(FLCN):c.871+160del

Gene: FLCN (folliculin; minus strand). Cytogenetic location: 17p11.2.
Variant type: Deletion.
Coding change: c.871+160del on transcript NM_144997.7 (MANE Select); 160 bases into the intron after coding-DNA position 871, one base deleted (T; older notation c.871+160delT).
Molecular consequence: intron variant. On other transcripts: 3 prime UTR variant (1).
Genome position (GRCh38, 1-based): chr17:17,221,377, A deleted on the plus strand (T on the coding strand, the reverse complement: FLCN is on the minus strand); the first of 2 consecutive A bases (chr17:17,221,377-17,221,378); deleting either gives the same sequence. VCF-style (leftmost placement, unchanged base first): chr17-17221376-CA-C. GRCh37 (hg19) VCF-style: chr17-17124690-CA-C.
Other names: c.*2del (NM_144606.7); c.871+160del (NM_001353231.2, NM_001353230.2); c.925+160del (NM_001353229.2).
Identifiers: ClinVar variation 3036123 (VCV003036123.2), dbSNP rs779649597, ClinGen allele CA8416223.

ClinVar aggregate classification (germline): Likely benign (0 of 4 stars; one submission).

Conditions:
FLCN-related disorder. Also called: FLCN-related condition.

Submission:

PreventionGenetics, part of Exact Sciences
Classification: Likely benign for FLCN-related condition. Last evaluated: 2022-03-17. Review status: no assertion criteria provided. Collection method: clinical testing. Allele origin: germline.
Comment: This variant is classified as likely benign based on ACMG/AMP sequence variant interpretation guidelines (Richards et al. 2015 PMID: 25741868, with internal and published modifications).